The following is an entry in ClinVar:

ClinVar aggregate classification (germline): Uncertain significance (1 of 4 stars; one submission).

Conditions:
Actin accumulation myopathy (CMYO2A). Also called: CONGENITAL MYOPATHY 2A, TYPICAL, AUTOSOMAL DOMINANT; Nemaline myopathy type 3; Myopathy, actin, congenital, with excess of thin myofilaments; Myopathy, actin, congenital, with cores; Nemaline myopathy 3, with intranuclear rods. Identifiers: Orphanet 98904, MedGen C3711389, MONDO:0008070, OMIM 161800.

Allele frequency attached by ClinVar (database versions not stated): ExAC 0.00001.

Submission:

Labcorp Genetics (formerly Invitae), Labcorp
Classification: Uncertain significance for Actin accumulation myopathy. Last evaluated: 2023-04-01. Review status: criteria provided, single submitter. Criteria: Invitae Variant Classification Sherloc (09022015). Collection method: clinical testing. Allele origin: germline.
Comment: This sequence change replaces serine, which is neutral and polar, with phenylalanine, which is neutral and non-polar, at codon 143 of the ACTA1 protein (p.Ser143Phe). This variant is present in population databases (rs75926206, gnomAD 0.003%). This variant has not been reported in the literature in individuals affected with ACTA1-related conditions. Advanced modeling of protein sequence and biophysical properties (such as structural, functional, and spatial information, amino acid conservation, physicochemical variation, residue mobility, and thermodynamic stability) performed at Invitae indicates that this missense variant is expected to disrupt ACTA1 protein function. This variant disrupts the p.Ser143 amino acid residue in ACTA1. Other variant(s) that disrupt this residue have been determined to be pathogenic (Invitae). This suggests that this residue is clinically significant, and that variants that disrupt this residue are likely to be disease-causing. In summary, the available evidence is currently insufficient to determine the role of this variant in disease. Therefore, it has been classified as a Variant of Uncertain Significance.

NM_001100.4(ACTA1):c.428C>T (p.Ser143Phe)

Gene: ACTA1 (actin alpha 1, skeletal muscle; minus strand). Cytogenetic location: 1q42.13.
Variant type: single nucleotide variant.
Coding change: c.428C>T on transcript NM_001100.4 (MANE Select); coding-DNA position 428, C replaced by T.
Protein change: p.Ser143Phe; replaces serine 143 with phenylalanine.
Molecular consequence: missense variant.
Genome position (GRCh38, 1-based): chr1:229,432,582, G>A on the plus strand (C>T on the coding strand, the complement: ACTA1 is on the minus strand). VCF-style: chr1-229432582-G-A. GRCh37 (hg19) VCF-style: chr1-229568329-G-A.
Other names: short protein forms S143F.
Identifiers: ClinVar variation 2750098 (VCV002750098.3), dbSNP rs75926206, ClinGen allele CA1442884.